The following is an entry in ClinVar:

ClinVar aggregate classification (germline): Uncertain significance (1 of 4 stars; one submission).

Conditions:
Familial meningioma. Also called: Meningioma, familial, susceptibility to. Identifiers: Orphanet 263662, MedGen C3551915, MONDO:0011789, OMIM 607174.

Submission:

Labcorp Genetics (formerly Invitae), Labcorp
Classification: Uncertain significance for Familial meningioma. Last evaluated: 2021-07-26. Review status: criteria provided, single submitter. Criteria: Invitae Variant Classification Sherloc (09022015). Collection method: clinical testing. Allele origin: germline.
Comment: In summary, the available evidence is currently insufficient to determine the role of this variant in disease. Therefore, it has been classified as a Variant of Uncertain Significance. Algorithms developed to predict the effect of missense changes on protein structure and function (SIFT, PolyPhen-2, Align-GVGD) all suggest that this variant is likely to be disruptive. This variant has not been reported in the literature in individuals affected with SMARCE1-related conditions. This variant is not present in population databases (ExAC no frequency). This sequence change replaces aspartic acid with valine at codon 178 of the SMARCE1 protein (p.Asp178Val). The aspartic acid residue is highly conserved and there is a large physicochemical difference between aspartic acid and valine.

NM_003079.5(SMARCE1):c.533A>T (p.Asp178Val)

Gene: SMARCE1 (SWI/SNF related BAF chromatin remodeling complex subunit E1; minus strand). Cytogenetic location: 17q21.2.
Variant type: single nucleotide variant.
Coding change: c.533A>T on transcript NM_003079.5 (MANE Select); coding-DNA position 533, A replaced by T.
Protein change: p.Asp178Val; replaces aspartic acid 178 with valine.
Molecular consequence: missense variant.
Genome position (GRCh38, 1-based): chr17:40,635,939, T>A on the plus strand (A>T on the coding strand, the complement: SMARCE1 is on the minus strand). VCF-style: chr17-40635939-T-A. GRCh37 (hg19) VCF-style: chr17-38792191-T-A.
Other names: short protein forms D178V.
Identifiers: ClinVar variation 1429129 (VCV001429129.8), dbSNP rs2143995960, ClinGen allele CA399366206.